The following is an entry in ClinVar:

NM_001142416.2(AIMP1):c.603+23C>T

Gene: AIMP1 (aminoacyl tRNA synthetase complex interacting multifunctional protein 1; plus strand). Cytogenetic location: 4q24.
Variant type: single nucleotide variant.
Coding change: c.603+23C>T on transcript NM_001142416.2 (MANE Select); 23 bases into the intron after coding-DNA position 603, C replaced by T.
Molecular consequence: intron variant.
Genome position (GRCh38, 1-based): chr4:106,331,906, C>T. VCF-style: chr4-106331906-C-T. GRCh37 (hg19) VCF-style: chr4-107253063-C-T.
Other names: c.603+23C>T (NM_001142415.2, NM_004757.4).
Identifiers: ClinVar variation 1178512 (VCV001178512.5), dbSNP rs3109956, ClinGen allele CA3035763.

ClinVar aggregate classification (germline): Benign. Review status: criteria provided, multiple submitters, no conflicts (2 of 4 stars). 3 submissions from 3 submitters: Benign (3). Last evaluated 2024-07-15.

Allele frequency attached by ClinVar (database versions not stated): ESP Exome Variant Server 0.00700; gnomAD 0.02481 and 0.03272; gnomAD exomes 0.02862 and 0.06808; TOPMed 0.03752; ExAC 0.06232; 1000 Genomes Project 30x 0.10884; 1000 Genomes Project 0.11502.
gnomAD v4.1: 46,964 of 1,600,134 alleles (2.9%); highest among the groups gnomAD compares: East Asian, 26%; 3,643 homozygotes.

Submissions (3):

Unidad de Genómica Garrahan, Hospital de Pediatría Garrahan
Classification: Benign. Last evaluated: 2024-07-15. Review status: criteria provided, single submitter. Criteria: ACMG Guidelines, 2015. Collection method: clinical testing. Allele origin: germline. Affected: no. Observed: 31 variant alleles.
Comment: This variant is classified as Benign based on local population frequency. This variant was detected in 33% of patients studied in a panel designed for Epileptic and Developmental Encephalopathy and Progressive Myoclonus Epilepsy. Number of patients: 31. Only high quality variants are reported.

GeneDx
Classification: Benign. Last evaluated: 2021-06-18. Review status: criteria provided, single submitter. Criteria: GeneDx Variant Classification Process June 2021. Collection method: clinical testing. Allele origin: germline. Affected: yes.

Breakthrough Genomics
Classification: Benign. Review status: criteria provided, single submitter. Criteria: ACMG Guidelines, 2015. Collection method: not provided. Allele origin: germline. Inheritance: Autosomal recessive inheritance. Affected: yes.